The following is an entry in ClinVar:

ClinVar aggregate classification (germline): Conflicting classifications of pathogenicity. Review status: criteria provided, conflicting classifications (1 of 4 stars). 4 submissions from 4 submitters: Uncertain significance (3); Likely benign (1). Last evaluated 2025-01-20.

Conditions:
Inborn genetic diseases. Identifiers: MedGen C0950123, MeSH D030342.

Allele frequency attached by ClinVar (database versions not stated): ESP Exome Variant Server 0.00015; gnomAD 0.00024 and 0.00025; TOPMed 0.00024; gnomAD exomes 0.00026; 1000 Genomes Project 0.00060; 1000 Genomes Project 30x 0.00062.
gnomAD v4.1: 420 of 1,613,686 alleles (0.026%); highest among the groups gnomAD compares: South Asian, 0.096%; 3 homozygotes.

Submissions (4):

Labcorp Genetics (formerly Invitae), Labcorp
Classification: Uncertain significance. Last evaluated: 2025-01-20. Review status: criteria provided, single submitter. Criteria: Invitae Variant Classification Sherloc (09022015). Collection method: clinical testing. Allele origin: germline.
Comment: This sequence change replaces proline, which is neutral and non-polar, with leucine, which is neutral and non-polar, at codon 379 of the MIPEP protein (p.Pro379Leu). This variant is present in population databases (rs186455816, gnomAD 0.1%), including at least one homozygous and/or hemizygous individual. This variant has not been reported in the literature in individuals affected with MIPEP-related conditions. ClinVar contains an entry for this variant (Variation ID: 1431485). Invitae Evidence Modeling of protein sequence and biophysical properties (such as structural, functional, and spatial information, amino acid conservation, physicochemical variation, residue mobility, and thermodynamic stability) has been performed for this missense variant. However, the output from this modeling did not meet the statistical confidence thresholds required to predict the impact of this variant on MIPEP protein function. In summary, the available evidence is currently insufficient to determine the role of this variant in disease. Therefore, it has been classified as a Variant of Uncertain Significance.

Blueprint Genetics
Classification: Likely benign. Last evaluated: 2024-11-20. Review status: criteria provided, single submitter. Criteria: ACMG Guidelines, 2015. Collection method: clinical testing. Allele origin: germline.

GeneDx
Classification: Uncertain significance. Last evaluated: 2024-09-27. Review status: criteria provided, single submitter. Criteria: GeneDx Variant Classification Process June 2021. Collection method: clinical testing. Allele origin: germline. Affected: yes.
Comment: In silico analysis supports that this missense variant has a deleterious effect on protein structure/function; Has not been previously published as pathogenic or benign to our knowledge

Ambry Genetics
Classification: Uncertain significance for Inborn genetic diseases. Last evaluated: 2020-10-14. Review status: criteria provided, single submitter. Criteria: Ambry Variant Classification Scheme 2023. Collection method: clinical testing. Allele origin: germline.
Comment: The c.1136C>T (p.P379L) alteration is located in exon 11 (coding exon 11) of the MIPEP gene. This alteration results from a C to T substitution at nucleotide position 1136, causing the proline (P) at amino acid position 379 to be replaced by a leucine (L). Based on data from the Genome Aggregation Database (gnomAD) database, the MIPEP c.1136C>T alteration was observed in 0.03% (90/282234) of total alleles studied, with a frequency of 0.1% (31/30468) in the South Asian subpopulation. This amino acid position is highly conserved in available vertebrate species. The p.P379L alteration is predicted to be tolerated by in silico analysis. Based on insufficient or conflicting evidence, the clinical significance of this alteration remains unclear.

NM_005932.4(MIPEP):c.1136C>T (p.Pro379Leu)

Gene: MIPEP (mitochondrial intermediate peptidase; minus strand). Cytogenetic location: 13q12.12.
Variant type: single nucleotide variant.
Coding change: c.1136C>T on transcript NM_005932.4 (MANE Select); coding-DNA position 1136, C replaced by T.
Protein change: p.Pro379Leu; replaces proline 379 with leucine.
Molecular consequence: missense variant.
Genome position (GRCh38, 1-based): chr13:23,841,459, G>A on the plus strand (C>T on the coding strand, the complement: MIPEP is on the minus strand). VCF-style: chr13-23841459-G-A. GRCh37 (hg19) VCF-style: chr13-24415598-G-A.
Other names: c.1136C>T (NM_005932.3); short protein forms P379L.
Identifiers: ClinVar variation 1431485 (VCV001431485.8), dbSNP rs186455816, ClinGen allele CA6913082.